The following is an entry in ClinVar:

ClinVar aggregate classification (germline): Uncertain significance (1 of 4 stars; one submission).

Conditions:
Aortic aneurysm, familial thoracic 4 (AAT4). Also called: AORTIC ANEURYSM/AORTIC DISSECTION AND PATENT DUCTUS ARTERIOSUS. Identifiers: MedGen C1851504, MONDO:0007568, OMIM 132900.

Submission:

Labcorp Genetics (formerly Invitae), Labcorp
Classification: Uncertain significance for Aortic aneurysm, familial thoracic 4. Last evaluated: 2021-06-20. Review status: criteria provided, single submitter. Criteria: Invitae Variant Classification Sherloc (09022015). Collection method: clinical testing. Allele origin: germline.
Comment: In summary, the available evidence is currently insufficient to determine the role of this variant in disease. Therefore, it has been classified as a Variant of Uncertain Significance. Algorithms developed to predict the effect of missense changes on protein structure and function are either unavailable or do not agree on the potential impact of this missense change (SIFT: "Tolerated"; PolyPhen-2: "Possibly Damaging"; Align-GVGD: "Class C0"). This variant has not been reported in the literature in individuals with MYH11-related conditions. This variant is not present in population databases (ExAC no frequency). This sequence change replaces glutamic acid with glutamine at codon 581 of the MYH11 protein (p.Glu581Gln). The glutamic acid residue is highly conserved and there is a small physicochemical difference between glutamic acid and glutamine.

NM_002474.3(MYH11):c.1720G>C (p.Glu574Gln)

Gene: MYH11 (myosin heavy chain 11; minus strand). Cytogenetic location: 16p13.11.
Variant type: single nucleotide variant.
Coding change: c.1720G>C on transcript NM_002474.3 (MANE Select); coding-DNA position 1720, G replaced by C.
Protein change: p.Glu574Gln; replaces glutamic acid 574 with glutamine.
Molecular consequence: missense variant.
Genome position (GRCh38, 1-based): chr16:15,756,370, C>G on the plus strand (G>C on the coding strand, the complement: MYH11 is on the minus strand). VCF-style: chr16-15756370-C-G. GRCh37 (hg19) VCF-style: chr16-15850227-C-G.
Other names: c.1741G>C, p.Glu581Gln (NM_001040113.2, NM_001040114.2); c.1720G>C, p.Glu574Gln (NM_022844.3); short protein forms E581Q, E574Q.
Identifiers: ClinVar variation 1362756 (VCV001362756.8), dbSNP rs2151272860, ClinGen allele CA394870295.
Genomic context (GRCh38, chr16:15,756,370, plus strand): 5'-GACAGAGTCCCCTGGGCCCTGTGGCTGGTACCTTCCCAGCATAATGGATGATGGAGAACT[C>G]AGTCTTGTCCTTGAGCTGCTTGGGCTTCTGGAACTTGGGGTGGCTGCCCTGCTCCGTGCA-3'
Protein context (NP_002465.1, residues 564-584): QKPKQLKDKT[Glu574Gln]FSIIHYAGKV